The following is an entry in ClinVar:

ClinVar aggregate classification (germline): Pathogenic (1 of 4 stars; one submission).

Submission:

Labcorp Genetics (formerly Invitae), Labcorp
Classification: Pathogenic. Last evaluated: 2023-06-13. Review status: criteria provided, single submitter. Criteria: Invitae Variant Classification Sherloc (09022015). Collection method: clinical testing. Allele origin: germline.
Comment: This variant has not been reported in the literature in individuals affected with POLE-related conditions. For these reasons, this variant has been classified as Pathogenic. This variant is a gross deletion of the genomic region encompassing exon(s) 1-32 of the POLE gene, which includes the initiator codon. This deletion extends beyond the assayed region for this gene and therefore may encompass additional genes. It is expected to result in an absent or disrupted protein product. Loss-of-function variants in POLE are known to be pathogenic (PMID: 23230001, 25948378, 30503519).

Literature cited by the submitters: PubMed 23230001; PubMed 25948378; PubMed 30503519.

NC_000012.11:g.(?_133225505)_(133263901_?)del

Gene: POLE (DNA polymerase epsilon, catalytic subunit; minus strand). Cytogenetic location: 12q24.33.
Variant type: Deletion.
Identifiers: ClinVar variation 1015504 (VCV001015504.6).